The following is an entry in ClinVar:

ClinVar aggregate classification (germline): Pathogenic/Likely pathogenic. Review status: criteria provided, single submitter (1 of 4 stars). 2 submissions from 1 submitter: Pathogenic (1); Likely pathogenic (1). Last evaluated 2025-04-25.

Conditions:
Familial cancer of breast. Also called: Hereditary breast cancer; hereditary breast carcinoma; BREAST CANCER, FAMILIAL. Identifiers: Orphanet 227535, MedGen C0346153, MONDO:0016419, OMIM 114480. Disease mechanism: loss of function.
Breast-ovarian cancer, familial, susceptibility to, 2 (BROVCA2). Also called: BRCA2 Hereditary Breast and Ovarian Cancer. Identifiers: Orphanet 145, MedGen C2675520, MONDO:0012933, OMIM 612555. Disease mechanism: loss of function.

Submissions (2):

Laboratorio de Genética, Hospital Universitario Reina Sofía
Classification: Pathogenic for Breast-ovarian cancer, familial, susceptibility to, 2. Last evaluated: 2025-04-25. Review status: criteria provided, single submitter. Criteria: ACMG Guidelines, 2015. Collection method: clinical testing. Allele origin: unknown. Inheritance: Autosomal dominant inheritance. Affected: yes. Observed: 1 variant allele, 1 heterozygote.
Comment: This variant is classified as Pathogenic as it meets PVS1 (Very Strong) (predicted loss-of-function variant in BRCA2, where loss of function is an established mechanism for hereditary breast/ovarian cancer predisposition) and PS4 (Moderate) (case–control evidence showing enrichment in affected individuals compared with controls, applied at moderate strength per ClinGen BRCA1/2 VCEP specifications); it also meets PM2 for rarity/absence in population databases, noting that for BRCA1/2 the VCEP calibrates rarity to supporting weight in many circumstances, but this does not change the overall classification given the presence of PVS1_VeryStrong plus PS4_Moderate.

Laboratorio de Genética, Hospital Universitario Reina Sofía
Classification: Likely pathogenic for Familial cancer of breast. Review status: criteria provided, single submitter. Criteria: ACMG Guidelines, 2015. Collection method: clinical testing. Allele origin: germline. Inheritance: Autosomal dominant inheritance. Affected: yes.
Comment: Although the variant is not described in ClinVar, ExAC, or 1000G, it is a frameshift mutation that causes a very premature stop codon (codon 106 out of 3419), making it highly likely to be pathogenic. Prediction tools such as SSGG, Varsome, and Franklin classify it as pathogenic (class V) and/or likely pathogenic (class IV).

NM_000059.4(BRCA2):c.316G>T (p.Gly106Ter)

Gene: BRCA2 (BRCA2 DNA repair associated; plus strand). Cytogenetic location: 13q13.1.
Variant type: single nucleotide variant.
Coding change: c.316G>T on transcript NM_000059.4 (MANE Select); coding-DNA position 316, G replaced by T.
Protein change: p.Gly106Ter; replaces glycine 106 with a stop codon.
Molecular consequence: nonsense. On other transcripts: 5 prime UTR variant (1), non-coding transcript variant (1).
Genome position (GRCh38, 1-based): chr13:32,319,325, G>T. VCF-style: chr13-32319325-G-T. GRCh37 (hg19) VCF-style: chr13-32893462-G-T.
Other names: c.316G>T, p.Gly106Ter (NM_001406719.1, NM_001406720.1, NM_001406721.1 and 1 more transcripts); c.-54G>T (NM_001406722.1); short protein forms G106*.
Identifiers: ClinVar variation 4845222 (VCV004845222.2).